The following is an entry in ClinVar:

ClinVar aggregate classification (germline): Uncertain significance. Review status: criteria provided, multiple submitters, no conflicts (2 of 4 stars). 2 submissions from 2 submitters: Uncertain significance (2). Last evaluated 2022-03-11.

Conditions:
Prolidase deficiency. Identifiers: Orphanet 742, MedGen C0268532, MONDO:0008221, OMIM 170100.

Allele frequency attached by ClinVar (database versions not stated): gnomAD 0.00001 and 0.00002; TOPMed 0.00001; ExAC 0.00002.
gnomAD v4.1: 20 of 1,607,490 alleles (0.0012%); highest among the groups gnomAD compares: Admixed American, 0.005%; no homozygotes.

Submissions (2):

Labcorp Genetics (formerly Invitae), Labcorp
Classification: Uncertain significance. Last evaluated: 2022-03-11. Review status: criteria provided, single submitter. Criteria: Invitae Variant Classification Sherloc (09022015). Collection method: clinical testing. Allele origin: germline.
Comment: This sequence change replaces valine, which is neutral and non-polar, with methionine, which is neutral and non-polar, at codon 253 of the PEPD protein (p.Val253Met). This variant is present in population databases (rs200450538, gnomAD 0.006%). This variant has not been reported in the literature in individuals affected with PEPD-related conditions. ClinVar contains an entry for this variant (Variation ID: 889199). Algorithms developed to predict the effect of missense changes on protein structure and function are either unavailable or do not agree on the potential impact of this missense change (SIFT: "Deleterious"; PolyPhen-2: "Possibly Damaging"; Align-GVGD: "Class C0"). In summary, the available evidence is currently insufficient to determine the role of this variant in disease. Therefore, it has been classified as a Variant of Uncertain Significance.

Illumina Laboratory Services, Illumina
Classification: Uncertain significance for Prolidase deficiency. Last evaluated: 2018-01-13. Review status: criteria provided, single submitter. Criteria: ICSL Variant Classification Criteria 13 December 2019. Collection method: clinical testing. Allele origin: germline.

NM_000285.4(PEPD):c.757G>A (p.Val253Met)

Gene: PEPD (peptidase D; minus strand). Cytogenetic location: 19q13.11.
Variant type: single nucleotide variant.
Coding change: c.757G>A on transcript NM_000285.4 (MANE Select); coding-DNA position 757, G replaced by A.
Protein change: p.Val253Met; replaces valine 253 with methionine.
Molecular consequence: missense variant.
Genome position (GRCh38, 1-based): chr19:33,411,733, C>T on the plus strand (G>A on the coding strand, the complement: PEPD is on the minus strand). VCF-style: chr19-33411733-C-T. GRCh37 (hg19) VCF-style: chr19-33902639-C-T.
Other names: c.634G>A, p.Val212Met (NM_001166056.2); c.565G>A, p.Val189Met (NM_001166057.2); short protein forms V212M, V253M, V189M.
Identifiers: ClinVar variation 889199 (VCV000889199.5), dbSNP rs200450538, ClinGen allele CA9364146.
Genomic context (GRCh38, chr19:33,411,733, plus strand): 5'-ACATATCCCCATTCTGGATCGTTCGGTCGTTGGGAGCTCCGGCGTGTCCGTAGTGTAGCA[C>T]GGCTGAGTTCTCACCACTGCAAAGAGCCGGGGGAGGGTGATCAAAGCCCATTCTTCTGCA-3'
Protein context (NP_000276.2, residues 243-263): CICGSGENSA[Val253Met]LHYGHAGAPN